The following is an entry in ClinVar:

NM_015910.7(WDPCP):c.549A>T (p.Lys183Asn)

Gene: WDPCP (WD repeat containing planar cell polarity effector; minus strand). Cytogenetic location: 2p15.
Variant type: single nucleotide variant.
Coding change: c.549A>T on transcript NM_015910.7 (MANE Select); coding-DNA position 549, A replaced by T.
Protein change: p.Lys183Asn; replaces lysine 183 with asparagine.
Molecular consequence: missense variant. On other transcripts: non-coding transcript variant (3).
Genome position (GRCh38, 1-based): chr2:63,437,505, T>A on the plus strand (A>T on the coding strand, the complement: WDPCP is on the minus strand). VCF-style: chr2-63437505-T-A. GRCh37 (hg19) VCF-style: chr2-63664639-T-A.
Other names: c.72A>T, p.Lys24Asn (NM_001042692.3); c.477A>T, p.Lys159Asn (NM_001354044.2); c.549A>T, p.Lys183Asn (NM_001354045.2); short protein forms K159N, K183N, K24N.
Identifiers: ClinVar variation 1026078 (VCV001026078.8), dbSNP rs1697214336, ClinGen allele CA347063724.
Genomic context (GRCh38, chr2:63,437,505, plus strand): 5'-TTCCAGTCTTTTGTTTACATCAGAAGACTCCATCTTCTTGGTAAACTGAATAAAACATAG[T>A]TTGTTTTGTGCCAAAAATGATAAGATGATAAAACTGTCTGTGAGAAGAGCTAAAAAACAT-3'
Protein context (NP_056994.3, residues 173-193): FIILSFLAQN[Lys183Asn]LCFIQFTKKM

ClinVar aggregate classification (germline): Uncertain significance (1 of 4 stars; one submission).

Conditions:
Bardet-Biedl syndrome (BBS). Identifiers: Orphanet 110, MedGen C0752166, MONDO:0015229.

gnomAD v4.1: 2 of 1,599,948 alleles (0.00013%); highest among the groups gnomAD compares: Non-Finnish European, 0.00017%; no homozygotes.

Submission:

Labcorp Genetics (formerly Invitae), Labcorp
Classification: Uncertain significance for Bardet-Biedl syndrome. Last evaluated: 2020-04-14. Review status: criteria provided, single submitter. Criteria: Invitae Variant Classification Sherloc (09022015). Collection method: clinical testing. Allele origin: germline.
Comment: This variant has not been reported in the literature in individuals with WDPCP-related conditions. This variant is not present in population databases (ExAC no frequency). This sequence change replaces lysine with asparagine at codon 183 of the WDPCP protein (p.Lys183Asn). The lysine residue is moderately conserved and there is a moderate physicochemical difference between lysine and asparagine. Algorithms developed to predict the effect of missense changes on protein structure and function are either unavailable or do not agree on the potential impact of this missense change (SIFT: "Deleterious"; PolyPhen-2: "Benign"; Align-GVGD: "Class C0"). In summary, the available evidence is currently insufficient to determine the role of this variant in disease. Therefore, it has been classified as a Variant of Uncertain Significance.